The following is an entry in ClinVar:

NM_005055.5(RAPSN):c.913-75del

Gene: RAPSN (receptor associated protein of the synapse; minus strand). Cytogenetic location: 11p11.2.
Variant type: Deletion.
Coding change: c.913-75del on transcript NM_005055.5 (MANE Select); 75 bases into the intron before coding-DNA position 913, one base deleted (C; older notation c.913-75delC).
Molecular consequence: intron variant.
Genome position (GRCh38, 1-based): chr11:47,441,287, G deleted on the plus strand (C on the coding strand, the reverse complement: RAPSN is on the minus strand); the first of 6 consecutive G bases (chr11:47,441,287-47,441,292); deleting any one gives the same sequence. VCF-style (leftmost placement, unchanged base first): chr11-47441286-AG-A. GRCh37 (hg19) VCF-style: chr11-47462837-AG-A.
Other names: c.789+536del (NM_032645.5).
Identifiers: ClinVar variation 668612 (VCV000668612.1), dbSNP rs10716680, ClinGen allele CA221715675.
Genomic context (GRCh38, chr11:47,441,286, plus strand): 5'-ATAGGCCAGGGCTGCGGGCAGAGCTGTCTGACAGGCCTTGCTCACAGGGAAGCACAGGGT[AG>A]GGGGGCAGGCCTAGGGAGGGTGACATGGCAGCTGCCTTGTGTGTGAAGGCAGCAGGAAGA-3'

ClinVar aggregate classification (germline): Benign (1 of 4 stars; one submission).

Submission:

GeneDx
Classification: Benign. Last evaluated: 2018-06-16. Review status: criteria provided, single submitter. Criteria: GeneDx Variant Classification (06012015). Collection method: clinical testing. Allele origin: germline. Affected: yes.
Comment: This variant is considered likely benign or benign based on one or more of the following criteria: it is a conservative change, it occurs at a poorly conserved position in the protein, it is predicted to be benign by multiple in silico algorithms, and/or has population frequency not consistent with disease.